The following is an entry in ClinVar:

NM_020987.5(ANK3):c.4703C>T (p.Ala1568Val)

Gene: ANK3 (ankyrin 3; minus strand). Cytogenetic location: 10q21.2.
Variant type: single nucleotide variant.
Coding change: c.4703C>T on transcript NM_020987.5 (MANE Select); coding-DNA position 4703, C replaced by T.
Protein change: p.Ala1568Val; replaces alanine 1568 with valine.
Molecular consequence: missense variant. On other transcripts: intron variant (4).
Genome position (GRCh38, 1-based): chr10:60,076,178, G>A on the plus strand (C>T on the coding strand, the complement: ANK3 is on the minus strand). VCF-style: chr10-60076178-G-A. GRCh37 (hg19) VCF-style: chr10-61835936-G-A.
Other names: c.4387+4359C>T (NM_001204403.2); c.4408+4359C>T (NM_001204404.2); c.4405+4359C>T (NM_001320874.2); c.1807+4359C>T (NM_001149.4); short protein forms A1568V.
Identifiers: ClinVar variation 1996605 (VCV001996605.4), dbSNP rs773386686, ClinGen allele CA5512125.

ClinVar aggregate classification (germline): Uncertain significance (1 of 4 stars; one submission).

Allele frequency attached by ClinVar (database versions not stated): gnomAD exomes 0.00001; gnomAD 0.00001; ExAC 0.00001.
gnomAD v4.1: 12 of 1,614,050 alleles (0.00074%); highest among the groups gnomAD compares: South Asian, 0.0055%; no homozygotes.

Submission:

Labcorp Genetics (formerly Invitae), Labcorp
Classification: Uncertain significance. Last evaluated: 2025-04-15. Review status: criteria provided, single submitter. Criteria: Invitae Variant Classification Sherloc (09022015). Collection method: clinical testing. Allele origin: germline.
Comment: This sequence change replaces alanine, which is neutral and non-polar, with valine, which is neutral and non-polar, at codon 1568 of the ANK3 protein (p.Ala1568Val). This variant is present in population databases (rs773386686, gnomAD 0.006%). This variant has not been reported in the literature in individuals affected with ANK3-related conditions. ClinVar contains an entry for this variant (Variation ID: 1996605). Invitae Evidence Modeling of protein sequence and biophysical properties (such as structural, functional, and spatial information, amino acid conservation, physicochemical variation, residue mobility, and thermodynamic stability) indicates that this missense variant is expected to disrupt ANK3 protein function with a positive predictive value of 80%. In summary, the available evidence is currently insufficient to determine the role of this variant in disease. Therefore, it has been classified as a Variant of Uncertain Significance.